The following is an entry in ClinVar:

ClinVar aggregate classification (germline): Uncertain significance. Review status: criteria provided, multiple submitters, no conflicts (2 of 4 stars). 2 submissions from 2 submitters: Uncertain significance (2). Last evaluated 2025-01-02.

Conditions:
Inborn genetic diseases. Identifiers: MedGen C0950123, MeSH D030342.
Baller-Gerold syndrome (BGS). Also called: CRANIOSYNOSTOSIS WITH RADIAL DEFECTS. Identifiers: Orphanet 1225, MedGen C0265308, MONDO:0009039, OMIM 218600.

Allele frequency attached by ClinVar (database versions not stated): TOPMed 0.00002.
gnomAD v4.1: 2 of 1,612,234 alleles (0.00012%); highest among the groups gnomAD compares: Non-Finnish European, 0.00017%; no homozygotes.

Submissions (2):

Ambry Genetics
Classification: Uncertain significance for Inborn genetic diseases. Last evaluated: 2025-01-02. Review status: criteria provided, single submitter. Criteria: Ambry Variant Classification Scheme 2023. Collection method: clinical testing. Allele origin: germline.
Comment: The p.I553V variant (also known as c.1657A>G), located in coding exon 10 of the RECQL4 gene, results from an A to G substitution at nucleotide position 1657. The isoleucine at codon 553 is replaced by valine, an amino acid with highly similar properties. This amino acid position is conserved. In addition, this alteration is predicted to be tolerated by in silico analysis. Based on the available evidence, the clinical significance of this variant remains unclear.

Labcorp Genetics (formerly Invitae), Labcorp
Classification: Uncertain significance for Baller-Gerold syndrome. Last evaluated: 2022-01-03. Review status: criteria provided, single submitter. Criteria: Invitae Variant Classification Sherloc (09022015). Collection method: clinical testing. Allele origin: germline.
Comment: In summary, the available evidence is currently insufficient to determine the role of this variant in disease. Therefore, it has been classified as a Variant of Uncertain Significance. Experimental studies and prediction algorithms are not available or were not evaluated, and the functional significance of this variant is currently unknown. This variant has not been reported in the literature in individuals affected with RECQL4-related conditions. This variant is not present in population databases (gnomAD no frequency). This sequence change replaces isoleucine, which is neutral and non-polar, with valine, which is neutral and non-polar, at codon 553 of the RECQL4 protein (p.Ile553Val).

NM_004260.4(RECQL4):c.1657A>G (p.Ile553Val)

Gene: RECQL4 (RecQ like helicase 4; minus strand). Cytogenetic location: 8q24.3.
Variant type: single nucleotide variant.
Coding change: c.1657A>G on transcript NM_004260.4 (MANE Select); coding-DNA position 1657, A replaced by G.
Protein change: p.Ile553Val; replaces isoleucine 553 with valine.
Molecular consequence: missense variant.
Genome position (GRCh38, 1-based): chr8:144,514,489, T>C on the plus strand (A>G on the coding strand, the complement: RECQL4 is on the minus strand). VCF-style: chr8-144514489-T-C. GRCh37 (hg19) VCF-style: chr8-145739873-T-C.
Other names: c.1561A>G, p.Ile521Val (NM_001413017.1, NM_001413020.1); c.1657A>G, p.Ile553Val (NM_001413018.1, NM_001413019.1, NM_001413033.1 and 1 more transcripts); c.586A>G, p.Ile196Val (NM_001413021.1, NM_001413022.1, NM_001413023.1 and 7 more transcripts); c.1528A>G, p.Ile510Val (NM_001413025.1); c.520A>G, p.Ile174Val (NM_001413027.1, NM_001413030.1, NM_001413031.1 and 2 more transcripts); c.1306A>G, p.Ile436Val (NM_001413029.1); c.1627A>G, p.Ile543Val (NM_001413039.1); c.556A>G, p.Ile186Val (NM_001413042.1); and 2 more; short protein forms I174V, I186V, I543V, I64V, I521V, I553V, I196V, I436V.
Identifiers: ClinVar variation 2182651 (VCV002182651.5), dbSNP rs1486403332, ClinGen allele CA372681780.